The following is an entry in ClinVar:

NM_000051.4(ATM):c.4972G>A (p.Ala1658Thr)

Gene: ATM (ATM serine/threonine kinase; plus strand). Cytogenetic location: 11q22.3.
Variant type: single nucleotide variant.
Coding change: c.4972G>A on transcript NM_000051.4 (MANE Select); coding-DNA position 4972, G replaced by A.
Protein change: p.Ala1658Thr; replaces alanine 1658 with threonine.
Molecular consequence: missense variant.
Genome position (GRCh38, 1-based): chr11:108,297,349, G>A. VCF-style: chr11-108297349-G-A. GRCh37 (hg19) VCF-style: chr11-108168076-G-A.
Other names: c.4972G>A, p.Ala1658Thr (NM_001351834.2); c.4972G>A (NM_000051.3); short protein forms A1658T.
Identifiers: ClinVar variation 1411693 (VCV001411693.9), dbSNP rs372679141, ClinGen allele CA228384078.

ClinVar aggregate classification (germline): Uncertain significance. Review status: criteria provided, multiple submitters, no conflicts (2 of 4 stars). 2 submissions from 2 submitters: Uncertain significance (2). Last evaluated 2026-04-13.

Conditions:
Hereditary cancer-predisposing syndrome. Also called: Tumor predisposition; Neoplastic Syndromes, Hereditary; Hereditary Cancer Syndrome; Hereditary neoplastic syndrome. Identifiers: Orphanet 140162, MedGen C0027672, MeSH D009386, MONDO:0015356.
Ataxia-telangiectasia syndrome (AT). Also called: Ataxia-telangiectasia, complementation group D; ATAXIA-TELANGIECTASIA, COMPLEMENTATION GROUP A; ATAXIA-TELANGIECTASIA, FRESNO VARIANT; Ataxia-telangiectasia; AT, COMPLEMENTATION GROUP C; LOUIS-BAR SYNDROME. Identifiers: Orphanet 100, MedGen C0004135, MONDO:0008840, OMIM 208900.

Allele frequency attached by ClinVar (database versions not stated): TOPMed 0.00001; gnomAD 0.00001; ESP Exome Variant Server 0.00008.
gnomAD v4.1: 1 of 1,613,846 alleles (0.000062%); highest among the groups gnomAD compares: African/African-American, 0.0013%; no homozygotes.

Submissions (2):

Ambry Genetics
Classification: Uncertain significance for Hereditary cancer-predisposing syndrome. Last evaluated: 2026-04-13. Review status: criteria provided, single submitter. Criteria: Ambry Variant Classification Scheme 2023. Collection method: clinical testing. Allele origin: germline.
Comment: The p.A1658T variant (also known as c.4972G>A), located in coding exon 32 of the ATM gene, results from a G to A substitution at nucleotide position 4972. The alanine at codon 1658 is replaced by threonine, an amino acid with similar properties. In an assay testing ATM function, this variant showed a functionally normal result (Lee KS et al. Cell, 2025 Sep;188:5081-5099.e27). This amino acid position is highly conserved in available vertebrate species. In addition, the in silico prediction for this alteration is inconclusive. Based on the available evidence, the clinical significance of this variant remains unclear.

Labcorp Genetics (formerly Invitae), Labcorp
Classification: Uncertain significance for Ataxia-telangiectasia syndrome. Last evaluated: 2023-06-06. Review status: criteria provided, single submitter. Criteria: Invitae Variant Classification Sherloc (09022015). Collection method: clinical testing. Allele origin: germline.
Comment: This sequence change replaces alanine, which is neutral and non-polar, with threonine, which is neutral and polar, at codon 1658 of the ATM protein (p.Ala1658Thr). This variant is not present in population databases (gnomAD no frequency). This variant has not been reported in the literature in individuals affected with ATM-related conditions. ClinVar contains an entry for this variant (Variation ID: 1411693). An algorithm developed to predict the effect of missense changes on protein structure and function (PolyPhen-2) suggests that this variant is likely to be disruptive. In summary, the available evidence is currently insufficient to determine the role of this variant in disease. Therefore, it has been classified as a Variant of Uncertain Significance.

Literature cited by the submitters: PubMed 40580951 (cited by Ambry Genetics).